The following is an entry in ClinVar:

ClinVar aggregate classification (germline): Likely benign (0 of 4 stars; one submission).

Conditions:
ABCA2-related disorder. Also called: ABCA2-related condition.

Allele frequency attached by ClinVar (database versions not stated): ExAC 0.00006; gnomAD 0.00012; TOPMed 0.00014; gnomAD exomes 0.00022.

Submission:

PreventionGenetics, part of Exact Sciences
Classification: Likely benign for ABCA2-related condition. Last evaluated: 2019-10-28. Review status: no assertion criteria provided. Collection method: clinical testing. Allele origin: germline.
Comment: This variant is classified as likely benign based on ACMG/AMP sequence variant interpretation guidelines (Richards et al. 2015 PMID: 25741868, with internal and published modifications).

NM_001606.5(ABCA2):c.2532G>A (p.Thr844=)

Gene: ABCA2 (ATP binding cassette subfamily A member 2; minus strand). Cytogenetic location: 9q34.3.
Variant type: single nucleotide variant.
Coding change: c.2532G>A on transcript NM_001606.5 (MANE Select); coding-DNA position 2532, G replaced by A.
Protein change: p.Thr844=; no amino-acid change (threonine 844 retained).
Molecular consequence: synonymous variant.
Genome position (GRCh38, 1-based): chr9:137,017,217, C>T on the plus strand (G>A on the coding strand, the complement: ABCA2 is on the minus strand). VCF-style: chr9-137017217-C-T. GRCh37 (hg19) VCF-style: chr9-139911669-C-T.
Other names: c.2529G>A, p.Thr843= (NM_001411042.1); c.2622G>A, p.Thr874= (NM_212533.3).
Identifiers: ClinVar variation 3040970 (VCV003040970.2), dbSNP rs566313346, ClinGen allele CA5355062.